The following is an entry in ClinVar:

NM_000094.4(COL7A1):c.2997G>A (p.Val999=)

Gene: COL7A1 (collagen type VII alpha 1 chain; minus strand). Cytogenetic location: 3p21.31.
Variant type: single nucleotide variant.
Coding change: c.2997G>A on transcript NM_000094.4 (MANE Select); coding-DNA position 2997, G replaced by A.
Protein change: p.Val999=; no amino-acid change (valine 999 retained).
Molecular consequence: synonymous variant.
Genome position (GRCh38, 1-based): chr3:48,587,332, C>T on the plus strand (G>A on the coding strand, the complement: COL7A1 is on the minus strand). VCF-style: chr3-48587332-C-T. GRCh37 (hg19) VCF-style: chr3-48624765-C-T.
Identifiers: ClinVar variation 738677 (VCV000738677.15), dbSNP rs369633742, ClinGen allele CA2380665.

ClinVar aggregate classification (germline): Conflicting classifications of pathogenicity. Review status: criteria provided, conflicting classifications (1 of 4 stars). 5 submissions from 5 submitters: Uncertain significance (1); Likely benign (3). 1 of the submissions does not count toward it. Last evaluated 2026-01-27.

Conditions:
COL7A1-related disorder. Also called: COL7A1-related condition; COL7A1- related disorders.
Epidermolysis bullosa dystrophica. Also called: Dystrophic epidermolysis bullosa; Dystrophic epidermolysis bullosa, Hallopeau-Siemens type (formerly). Identifiers: Orphanet 303, MedGen C0079294, MONDO:0006543.

Allele frequency attached by ClinVar (database versions not stated): ExAC 0.00019; gnomAD exomes 0.00020 and 0.00042; gnomAD 0.00023 and 0.00026; TOPMed 0.00026; ESP Exome Variant Server 0.00031.
gnomAD v4.1: 648 of 1,604,088 alleles (0.04%); highest among the groups gnomAD compares: Middle Eastern, 0.099%; no homozygotes.

Submissions (5):

Labcorp Genetics (formerly Invitae), Labcorp
Classification: Likely benign. Last evaluated: 2026-01-27. Review status: criteria provided, single submitter. Criteria: Invitae Variant Classification Sherloc (09022015). Collection method: clinical testing. Allele origin: germline.

PreventionGenetics, part of Exact Sciences
Classification: Likely benign for COL7A1-related condition. Last evaluated: 2024-12-11. Review status: criteria provided, single submitter. Criteria: ACMG Guidelines, 2015. Collection method: clinical testing. Allele origin: germline.
Comment: This variant is classified as likely benign based on ACMG/AMP sequence variant interpretation guidelines (Richards et al. 2015 PMID: 25741868, with internal and published modifications).

Blueprint Genetics
Classification: Likely benign. Last evaluated: 2024-10-22. Review status: criteria provided, single submitter. Criteria: ACMG Guidelines, 2015. Collection method: clinical testing. Allele origin: germline.

Illumina Laboratory Services, Illumina
Classification: Uncertain significance for Dystrophic epidermolysis bullosa. Last evaluated: 2018-01-13. Review status: criteria provided, single submitter. Criteria: ICSL Variant Classification Criteria 13 December 2019. Collection method: clinical testing. Allele origin: germline.

Natera, Inc.
Classification: Uncertain significance for Dystrophic epidermolysis bullosa. Last evaluated: 2020-01-24. Review status: no assertion criteria provided. Collection method: clinical testing. Allele origin: germline. Not counted in ClinVar's aggregate classification.